The following is an entry in ClinVar:

ClinVar aggregate classification (germline): Uncertain significance (1 of 4 stars; one submission).

Conditions:
Holoprosencephaly 9 (HPE9). Also called: PITUITARY ANOMALIES WITH HOLOPROSENCEPHALY-LIKE FEATURES; HOLOPROSENCEPHALY WITH MICROPHTHALMIA AND FIRST BRANCHIAL ARCH ANOMALIES. Identifiers: Orphanet 2162, MedGen C1835819, MONDO:0012563, OMIM 610829.
Postaxial polydactyly-anterior pituitary anomalies-facial dysmorphism syndrome. Also called: Culler-Jones syndrome. Identifiers: Orphanet 420584, MedGen C4014479, MONDO:0014369, OMIM 615849.

gnomAD v4.1: 7 of 1,614,002 alleles (0.00043%); highest among the groups gnomAD compares: Non-Finnish European, 0.00059%; no homozygotes.

Submission:

Labcorp Genetics (formerly Invitae), Labcorp
Classification: Uncertain significance for Postaxial polydactyly-anterior pituitary anomalies-facial dysmorphism syndrome; Holoprosencephaly 9. Last evaluated: 2022-03-26. Review status: criteria provided, single submitter. Criteria: Invitae Variant Classification Sherloc (09022015). Collection method: clinical testing. Allele origin: germline.
Comment: In summary, the available evidence is currently insufficient to determine the role of this variant in disease. Therefore, it has been classified as a Variant of Uncertain Significance. Algorithms developed to predict the effect of missense changes on protein structure and function are either unavailable or do not agree on the potential impact of this missense change (SIFT: "Tolerated"; PolyPhen-2: "Possibly Damaging"; Align-GVGD: "Class C0"). This variant has not been reported in the literature in individuals affected with GLI2-related conditions. This variant is present in population databases (no rsID available, gnomAD 0.0009%). This sequence change replaces proline, which is neutral and non-polar, with glutamine, which is neutral and polar, at codon 28 of the GLI2 protein (p.Pro28Gln).

NM_001374353.1(GLI2):c.83C>A (p.Pro28Gln)

Gene: GLI2 (GLI family zinc finger 2; plus strand). Cytogenetic location: 2q14.2.
Variant type: single nucleotide variant.
Coding change: c.83C>A on transcript NM_001374353.1 (MANE Select); coding-DNA position 83, C replaced by A.
Protein change: p.Pro28Gln; replaces proline 28 with glutamine.
Molecular consequence: missense variant. On other transcripts: 5 prime UTR variant (1).
Genome position (GRCh38, 1-based): chr2:120,797,403, C>A. VCF-style: chr2-120797403-C-A. GRCh37 (hg19) VCF-style: chr2-121554979-C-A.
Other names: c.83C>A, p.Pro28Gln (NM_001371271.1, NM_005270.5); c.-187C>A (NM_001374354.1); short protein forms P28Q.
Identifiers: ClinVar variation 1938117 (VCV001938117.5), dbSNP rs778954239, ClinGen allele CA348196647.